The following is an entry in ClinVar:

ClinVar aggregate classification (germline): Conflicting classifications of pathogenicity. Review status: criteria provided, conflicting classifications (1 of 4 stars). 6 submissions from 6 submitters: Uncertain significance (1); Benign (2); Likely benign (2). 1 of the submissions does not count toward it. Last evaluated 2026-02-01.

Conditions:
FANCE-related disorder. Also called: FANCE-related condition.
Fanconi anemia (FA). Also called: Fanconi's anemia. Identifiers: Orphanet 84, MedGen C0015625, MeSH D005199, MONDO:0019391.
Fanconi anemia complementation group E (FANCE). Also called: FANCE-Related Fanconi Anemia. Identifiers: Orphanet 84, MedGen C3160739, MONDO:0010953, OMIM 600901.

Allele frequency attached by ClinVar (database versions not stated): 1000 Genomes Project 30x 0.00047; TOPMed 0.00058; 1000 Genomes Project 0.00060; ESP Exome Variant Server 0.00077; gnomAD exomes 0.00147 and 0.00205; ExAC 0.00208; gnomAD 0.00210 and 0.00221.
gnomAD v4.1: 2,455 of 1,614,060 alleles (0.15%); highest among the groups gnomAD compares: Non-Finnish European, 0.12%; 6 homozygotes.

Submissions (6):

Labcorp Genetics (formerly Invitae), Labcorp
Classification: Benign for Fanconi anemia complementation group E. Last evaluated: 2026-02-01. Review status: criteria provided, single submitter. Criteria: Invitae Variant Classification Sherloc (09022015). Collection method: clinical testing. Allele origin: germline.

Blueprint Genetics
Classification: Likely benign. Last evaluated: 2024-11-13. Review status: criteria provided, single submitter. Criteria: ACMG Guidelines, 2015. Collection method: clinical testing. Allele origin: germline.

Sema4
Classification: Benign for Fanconi anemia. Last evaluated: 2021-07-21. Review status: criteria provided, single submitter. Criteria: Sema4 Curation Guidelines. Collection method: curation. Allele origin: germline.

Genetic Services Laboratory, University of Chicago
Classification: Likely benign. Last evaluated: 2021-05-26. Review status: criteria provided, single submitter. Criteria: ACMG Guidelines, 2015. Collection method: clinical testing. Allele origin: germline. Affected: no.

Illumina Laboratory Services, Illumina
Classification: Uncertain significance for Fanconi anemia complementation group E. Last evaluated: 2018-01-13. Review status: criteria provided, single submitter. Criteria: ICSL Variant Classification Criteria 13 December 2019. Collection method: clinical testing. Allele origin: germline.

PreventionGenetics, part of Exact Sciences
Classification: Likely benign for FANCE-related condition. Last evaluated: 2024-07-03. Review status: no assertion criteria provided. Collection method: clinical testing. Allele origin: germline. Not counted in ClinVar's aggregate classification.
Comment: This variant is classified as likely benign based on ACMG/AMP sequence variant interpretation guidelines (Richards et al. 2015 PMID: 25741868, with internal and published modifications).

NM_021922.3(FANCE):c.1310T>C (p.Met437Thr)

Gene: FANCE (FA complementation group E; plus strand). Cytogenetic location: 6p21.31.
Variant type: single nucleotide variant.
Coding change: c.1310T>C on transcript NM_021922.3 (MANE Select); coding-DNA position 1310, T replaced by C.
Protein change: p.Met437Thr; replaces methionine 437 with threonine.
Molecular consequence: missense variant.
Genome position (GRCh38, 1-based): chr6:35,459,754, T>C. VCF-style: chr6-35459754-T-C. GRCh37 (hg19) VCF-style: chr6-35427531-T-C.
Other names: short protein forms M437T.
Identifiers: ClinVar variation 414821 (VCV000414821.21), dbSNP rs142903218, ClinGen allele CA3771662.